The following is an entry in ClinVar:

ClinVar aggregate classification (germline): Pathogenic/Likely pathogenic. Review status: criteria provided, multiple submitters, no conflicts (2 of 4 stars). 7 submissions from 7 submitters: Pathogenic (2); Likely pathogenic (5). Last evaluated 2025-12-23.

Conditions:
Hereditary cancer-predisposing syndrome. Also called: Hereditary neoplastic syndrome; Tumor predisposition; Hereditary Cancer Syndrome; Neoplastic Syndromes, Hereditary. Identifiers: Orphanet 140162, MedGen C0027672, MeSH D009386, MONDO:0015356.
Fanconi anemia complementation group O. Also called: RAD51C-Related Fanconi Anemia. Identifiers: Orphanet 84, MedGen C3150653, MONDO:0013248, OMIM 613390.
Breast-ovarian cancer, familial, susceptibility to, 3. Also called: RAD51C-Related Breast/Ovarian Cancer. Identifiers: Orphanet 145, MedGen C3150659, MONDO:0013253, OMIM 613399.

Allele frequency attached by ClinVar (database versions not stated): ExAC 0.00001; gnomAD exomes below 0.00001; TOPMed 0.00001.
gnomAD v4.1: 2 of 1,608,368 alleles (0.00012%); highest among the groups gnomAD compares: Non-Finnish European, 0.00017%; no homozygotes.

Submissions (8):

Labcorp Genetics (formerly Invitae), Labcorp
Classification: Pathogenic for Fanconi anemia complementation group O. Last evaluated: 2025-12-23. Review status: criteria provided, single submitter. Criteria: Invitae Variant Classification Sherloc (09022015). Collection method: clinical testing. Allele origin: germline.
Comment: This sequence change falls in intron 7 of the RAD51C gene. It does not directly change the encoded amino acid sequence of the RAD51C protein. RNA analysis indicates that this variant induces altered splicing and may result in an absent or altered protein product. This variant is present in population databases (rs774586107, gnomAD 0.0009%). This variant has been observed in individual(s) with breast or ovarian cancer (PMID: 22725699, 33011440). ClinVar contains an entry for this variant (Variation ID: 409841). Variants that disrupt the consensus splice site are a relatively common cause of aberrant splicing (PMID: 17576681, 9536098). Studies have shown that this variant alters mRNA splicing and is expected to lead to the loss of protein expression (PMID: 22725699, 33011440, 33333735). For these reasons, this variant has been classified as Pathogenic.

Dasa
Classification: Likely pathogenic. Last evaluated: 2025-10-06. Review status: criteria provided, single submitter. Criteria: DASA Assertion Criteria. Collection method: clinical testing. Allele origin: germline.
Comment: NM_058216.3(RAD51C):c.965+5G>A is a splice-region variant. This variant has been recurrently observed in individuals with RAD51C-related disorders (PMID: 22725699; PMID: 33333735; PMID: 33011440; PMID: 25470109; PMID: 17576681). Functional evidence supports an impact on the gene or gene product (PMID: 22725699; PMID: 33333735; PMID: 33011440; PMID: 25470109; PMID: 17576681). Also, this variant is rare in population databases. Based on the currently available evidence, this variant is classified as likely pathogenic.

Ambry Genetics
Classification: Likely pathogenic for Hereditary cancer-predisposing syndrome. Last evaluated: 2025-07-16. Review status: criteria provided, single submitter. Criteria: Ambry Variant Classification Scheme 2023. Collection method: clinical testing. Allele origin: germline.
Comment: The c.965+5G>A intronic variant results from a G to A substitution 5 nucleotides after coding exon 7 in the RAD51C gene. This nucleotide position is highly conserved in available vertebrate species. In silico splice site analysis predicts that this alteration will weaken the native splice donor site. Functional RNA studies have demonstrated that this alteration results in out-of-frame exon skipping and premature protein truncation (Coulet F et al. Clin. Genet. 2013 Apr;83:332-6; Sanoguera-Miralles L et al. Cancers (Basel), 2020 Dec;12; Ambry internal data). Based on the majority of available evidence to date, this variant is likely to be pathogenic.

Myriad Genetics, Inc.
Classification: Likely pathogenic for Breast-ovarian cancer, familial, susceptibility to, 3. Last evaluated: 2024-12-12. Review status: criteria provided, single submitter. Criteria: Myriad Autosomal Dominant, Autosomal Recessive and X-Linked Classification Criteria (2023). Collection method: clinical testing. Allele origin: unknown.
Comment: This variant is considered likely pathogenic. Functional studies indicate this variant impacts protein function [PMID: 37444530, 33011440, 22725699, 39299233].

Baylor Genetics
Classification: Likely pathogenic for Breast-ovarian cancer, familial, susceptibility to, 3. Last evaluated: 2024-02-05. Review status: criteria provided, single submitter. Criteria: ACMG Guidelines, 2015. Collection method: clinical testing. Allele origin: unknown.

Color Diagnostics, LLC DBA Color Health
Classification: Likely pathogenic for Hereditary cancer-predisposing syndrome. Last evaluated: 2023-03-21. Review status: criteria provided, single submitter. Criteria: ACMG Guidelines, 2015. Collection method: clinical testing. Allele origin: germline.
Comment: This variant causes a G to A nucleotide substitution at the +5 position of intron 7 of the RAD51C gene. Splice site prediction tools predict that this variant may have a significant impact on RNA splicing. This variant has been reported in individuals affected with breast and/or ovarian cancer (PMID: 22725699, 33011440, 36329109). RNA studies using RT-PCR analysis of a patient sample and mini-gene assays have shown that this variant causes out-of-frame skipping of exon 7 (PMID: 22725699, 33011440, 33333735), which is expected to create a frameshift and premature translation stop signal resulting in an absent or non-functional protein product. This variant has been identified in 1/251118 chromosomes in the general population by the Genome Aggregation Database (gnomAD). Loss of RAD51C function is a known mechanism of disease. Based on the available evidence, this variant is classified as Likely Pathogenic.

Genesis Genomics
Classification: Pathogenic for Breast-ovarian cancer, familial, susceptibility to, 3. Review status: criteria provided, single submitter. Criteria: ACMG Guidelines, 2015. Collection method: clinical testing. Allele origin: germline. Affected: yes. Observed: 1 variant allele.

Dr. Peter K. Rogan Lab, Western University
No classification provided (evidence only). Condition: Uterine corpus endometrial carcinoma. Review status: no classification provided. Collection method: in vitro. Allele origin: not applicable. Functional consequence: skipped exon, retained intron. Not counted in ClinVar's aggregate classification.

Literature cited by the submitters: PubMed 22725699 (cited by 5 submitters); PubMed 33011440 (cited by 4 submitters); PubMed 17576681 (cited by Labcorp Genetics (formerly Invitae), Labcorp and Dasa); PubMed 9536098 (cited by Labcorp Genetics (formerly Invitae), Labcorp); PubMed 33333735 (cited by 4 submitters); PubMed 25470109 (cited by Dasa and Ambry Genetics); PubMed 37444530 (cited by Myriad Genetics, Inc.); PubMed 39299233 (cited by Myriad Genetics, Inc.); PubMed 36329109 (cited by Color Diagnostics, LLC DBA Color Health).

NM_058216.3(RAD51C):c.965+5G>A

Gene: RAD51C (RAD51 paralog C; plus strand). Cytogenetic location: 17q22.
Variant type: single nucleotide variant.
Coding change: c.965+5G>A on transcript NM_058216.3 (MANE Select); 5 bases into the intron after coding-DNA position 965, G replaced by A.
Molecular consequence: intron variant.
Genome position (GRCh38, 1-based): chr17:58,724,105, G>A. VCF-style: chr17-58724105-G-A. GRCh37 (hg19) VCF-style: chr17-56801466-G-A.
Other names: c.965+5G>A (LRG_314t1).
Identifiers: ClinVar variation 409841 (VCV000409841.25), dbSNP rs774586107, ClinGen allele CA8677367.